The following is an entry in ClinVar:

ClinVar aggregate classification (germline): Benign/Likely benign. Review status: criteria provided, multiple submitters, no conflicts (2 of 4 stars). 5 submissions from 5 submitters: Benign (3); Likely benign (2). Last evaluated 2026-04-01.

Conditions:
PPA2-related disorder. Also called: PPA2-related disorders; PPA2-related condition.

Allele frequency attached by ClinVar (database versions not stated): TOPMed 0.00105; 1000 Genomes Project 30x 0.00219; 1000 Genomes Project 0.00220.
gnomAD v4.1: 464 of 1,584,774 alleles (0.029%); highest among the groups gnomAD compares: East Asian, 0.95%; 4 homozygotes.

Submissions (5):

CeGaT Center for Human Genetics Tuebingen
Classification: Likely benign. Last evaluated: 2026-04-01. Review status: criteria provided, single submitter. Criteria: CeGaT Center For Human Genetics Tuebingen Variant Classification Criteria Version 2. Collection method: clinical testing. Allele origin: germline. Affected: yes. Observed: 2 variant alleles.
Comment: PPA2: BP4, BP7

Labcorp Genetics (formerly Invitae), Labcorp
Classification: Benign. Last evaluated: 2026-01-28. Review status: criteria provided, single submitter. Criteria: Invitae Variant Classification Sherloc (09022015). Collection method: clinical testing. Allele origin: germline.

PreventionGenetics, part of Exact Sciences
Classification: Benign for PPA2-related condition. Last evaluated: 2025-06-17. Review status: criteria provided, single submitter. Criteria: ACMG Guidelines, 2015. Collection method: clinical testing. Allele origin: germline.
Comment: This variant is classified as benign based on ACMG/AMP sequence variant interpretation guidelines (Richards et al. 2015 PMID: 25741868, with internal and published modifications).

Mayo Clinic Laboratories, Mayo Clinic
Classification: Benign. Last evaluated: 2024-06-19. Review status: criteria provided, single submitter. Criteria: ACMG Guidelines, 2015. Collection method: clinical testing. Allele origin: germline. Observed: 3 variant alleles.
Comment: BA1, BS2, BP4, BP7

GeneDx
Classification: Likely benign. Last evaluated: 2020-10-12. Review status: criteria provided, single submitter. Criteria: GeneDx Variant Classification Process June 2021. Collection method: clinical testing. Allele origin: germline. Affected: yes.

NM_176869.3(PPA2):c.6C>T (p.Ser2=)

Genes: PPA2 (inorganic pyrophosphatase 2; minus strand), LOC129992915 (ATAC-STARR-seq lymphoblastoid silent region 15608; plus strand). Cytogenetic location: 4q24.
Variant type: single nucleotide variant.
Coding change: c.6C>T on transcript NM_176869.3 (MANE Select); coding-DNA position 6, C replaced by T.
Protein change: p.Ser2=; no amino-acid change (serine 2 retained).
Molecular consequence: synonymous variant.
Genome position (GRCh38, 1-based): chr4:105,474,045, G>A on the plus strand (C>T on the coding strand, the complement: PPA2 is on the minus strand). VCF-style: chr4-105474045-G-A. GRCh37 (hg19) VCF-style: chr4-106395202-G-A.
Other names: p.Ser2=; c.6C>T, p.Ser2= (NM_006903.4, NM_176866.2, NM_176867.3).
Identifiers: ClinVar variation 752837 (VCV000752837.36), dbSNP rs58033964, ClinGen allele CA3032884.